The following is an entry in ClinVar:

NM_005908.4(MANBA):c.1240G>A (p.Asp414Asn)

Gene: MANBA (mannosidase beta; minus strand). Cytogenetic location: 4q24.
Variant type: single nucleotide variant.
Coding change: c.1240G>A on transcript NM_005908.4 (MANE Select); coding-DNA position 1240, G replaced by A.
Protein change: p.Asp414Asn; replaces aspartic acid 414 with asparagine.
Molecular consequence: missense variant.
Genome position (GRCh38, 1-based): chr4:102,669,040, C>T on the plus strand (G>A on the coding strand, the complement: MANBA is on the minus strand). VCF-style: chr4-102669040-C-T. GRCh37 (hg19) VCF-style: chr4-103590197-C-T.
Other names: short protein forms D414N.
Identifiers: ClinVar variation 1414608 (VCV001414608.8), dbSNP rs2110220981, ClinGen allele CA357762226.

ClinVar aggregate classification (germline): Uncertain significance (1 of 4 stars; one submission).

Conditions:
Beta-D-mannosidosis (MANSB). Also called: MANNOSIDOSIS, BETA A, LYSOSOMAL; BETA-MANNOSIDASE DEFICIENCY; LYSOSOMAL BETA-MANNOSIDASE DEFICIENCY; Beta-Mannosidosis. Identifiers: Orphanet 118, MedGen C4048196, MONDO:0009562, OMIM 248510.

Submission:

Labcorp Genetics (formerly Invitae), Labcorp
Classification: Uncertain significance for Beta-D-mannosidosis. Last evaluated: 2022-01-26. Review status: criteria provided, single submitter. Criteria: Invitae Variant Classification Sherloc (09022015). Collection method: clinical testing. Allele origin: germline.
Comment: In summary, the available evidence is currently insufficient to determine the role of this variant in disease. Therefore, it has been classified as a Variant of Uncertain Significance. Algorithms developed to predict the effect of missense changes on protein structure and function are either unavailable or do not agree on the potential impact of this missense change (SIFT: "Deleterious"; PolyPhen-2: "Probably Damaging"; Align-GVGD: "Class C0"). This variant has not been reported in the literature in individuals affected with MANBA-related conditions. This variant is not present in population databases (gnomAD no frequency). This sequence change replaces aspartic acid, which is acidic and polar, with asparagine, which is neutral and polar, at codon 414 of the MANBA protein (p.Asp414Asn).